The following is an entry in ClinVar:

NM_138694.4(PKHD1):c.9530_9531dup (p.Gly3178fs)

Gene: PKHD1 (PKHD1 ciliary IPT domain containing fibrocystin/polyductin; minus strand). Cytogenetic location: 6p12.3.
Variant type: Duplication.
Coding change: c.9530_9531dup on transcript NM_138694.4 (MANE Select); coding-DNA positions 9530 to 9531, 2 bases duplicated (TT; older notation c.9530_9531dupTT).
Protein change: p.Gly3178fs; shifts the reading frame from glycine 3178.
Molecular consequence: frameshift variant.
Genome position (GRCh38, 1-based): chr6:51,748,085-51,748,086, AA duplicated on the plus strand (TT on the coding strand, the reverse complement: PKHD1 is on the minus strand). VCF-style (leftmost placement, unchanged base first): chr6-51748084-C-CAA. GRCh37 (hg19) VCF-style: chr6-51612882-C-CAA.
Other names: c.9530_9531dup, p.Gly3178fs (NM_170724.3); c.9530_9531dupTT (NM_138694.3); c.9530_9531dup (NM_138694.3); short protein forms G3178fs.
Identifiers: ClinVar variation 556510 (VCV000556510.4), dbSNP rs1554218519, ClinGen allele CA658821795.

ClinVar aggregate classification (germline): Likely pathogenic. Review status: criteria provided, single submitter (1 of 4 stars). 2 submissions from 2 submitters: Likely pathogenic (1). 1 of the submissions does not count toward it. Last evaluated 2025-03-16.

Conditions:
Autosomal recessive polycystic kidney disease (ARPKD). Also called: AR polycystic kidney disease. Identifiers: Orphanet 731, Orphanet 8378, MedGen C0085548, MeSH D017044, MONDO:0009889.
Polycystic kidney disease 4 (PKD4). Also called: POLYCYSTIC KIDNEY DISEASE 4 WITH OR WITHOUT POLYCYSTIC LIVER DISEASE; POLYCYSTIC KIDNEY AND HEPATIC DISEASE 1; POLYCYSTIC KIDNEY DISEASE, INFANTILE, TYPE I; PKD3; Autosomal Recessive Polycystic Kidney Disease – PKHD1. Identifiers: MedGen C4540575, MONDO:0033004, OMIM 263200.

Submissions (2):

Natera, Inc.
Classification: Likely pathogenic for Autosomal recessive polycystic kidney disease. Last evaluated: 2025-03-16. Review status: criteria provided, single submitter. Criteria: Natera Variant Classification Schema (03/2026). Collection method: clinical testing. Allele origin: germline.
Comment: The c.9530_9531dup variant in PKHD1 is a frameshift variant predicted to shift the reading frame beginning at codon 3178 and leads to a stop codon 6 codons downstream. This variant is expected to result in nonsense mediated decay, truncation, or a dysfunctional protein product. This variant is rare in the general population with a frequency below the threshold expected for the associated phenotype(s). Given the available evidence, this variant is classified as Likely Pathogenic.

Counsyl
Classification: Likely pathogenic for Polycystic kidney disease 4. Last evaluated: 2018-02-05. Review status: no assertion criteria provided. Collection method: clinical testing. Allele origin: unknown. Not counted in ClinVar's aggregate classification.